The following is an entry in ClinVar:

NM_005477.3(HCN4):c.518A>C (p.Gln173Pro)

Gene: HCN4 (hyperpolarization activated cyclic nucleotide gated potassium channel 4; minus strand). Cytogenetic location: 15q24.1.
Variant type: single nucleotide variant.
Coding change: c.518A>C on transcript NM_005477.3 (MANE Select); coding-DNA position 518, A replaced by C.
Protein change: p.Gln173Pro; replaces glutamine 173 with proline.
Molecular consequence: missense variant.
Genome position (GRCh38, 1-based): chr15:73,367,753, T>G on the plus strand (A>C on the coding strand, the complement: HCN4 is on the minus strand). VCF-style: chr15-73367753-T-G. GRCh37 (hg19) VCF-style: chr15-73660094-T-G.
Other names: short protein forms Q173P.
Identifiers: ClinVar variation 4703924 (VCV004703924.1).

ClinVar aggregate classification (germline): Uncertain significance (1 of 4 stars; one submission).

Conditions:
Brugada syndrome 8 (BRGDA8). Identifiers: Orphanet 130, MedGen C2751083, MONDO:0013148, OMIM 613123.

Submission:

Labcorp Genetics (formerly Invitae), Labcorp
Classification: Uncertain significance for Brugada syndrome 8. Last evaluated: 2025-03-30. Review status: criteria provided, single submitter. Criteria: Invitae Variant Classification Sherloc (09022015). Collection method: clinical testing. Allele origin: germline.
Comment: This sequence change replaces glutamine, which is neutral and polar, with proline, which is neutral and non-polar, at codon 173 of the HCN4 protein (p.Gln173Pro). This variant is not present in population databases (gnomAD no frequency). This variant has not been reported in the literature in individuals affected with HCN4-related conditions. Invitae Evidence Modeling of protein sequence and biophysical properties (such as structural, functional, and spatial information, amino acid conservation, physicochemical variation, residue mobility, and thermodynamic stability) indicates that this missense variant is not expected to disrupt HCN4 protein function with a negative predictive value of 95%. In summary, the available evidence is currently insufficient to determine the role of this variant in disease. Therefore, it has been classified as a Variant of Uncertain Significance.